The following is an entry in ClinVar:

NM_001854.4(COL11A1):c.2777C>T (p.Pro926Leu)

Gene: COL11A1 (collagen type XI alpha 1 chain; minus strand). Cytogenetic location: 1p21.1.
Variant type: single nucleotide variant.
Coding change: c.2777C>T on transcript NM_001854.4 (MANE Select); coding-DNA position 2777, C replaced by T.
Protein change: p.Pro926Leu; replaces proline 926 with leucine.
Molecular consequence: missense variant. On other transcripts: non-coding transcript variant (1).
Genome position (GRCh38, 1-based): chr1:102,974,861, G>A on the plus strand (C>T on the coding strand, the complement: COL11A1 is on the minus strand). VCF-style: chr1-102974861-G-A. GRCh37 (hg19) VCF-style: chr1-103440417-G-A.
Other names: c.2429C>T, p.Pro810Leu (NM_001168249.1, NM_080630.4); c.2660C>T, p.Pro887Leu (NM_001190709.2); c.2813C>T, p.Pro938Leu (NM_080629.3); short protein forms P810L, P887L, P926L, P938L.
Identifiers: ClinVar variation 2788271 (VCV002788271.3), dbSNP rs2525064358, ClinGen allele CA341162058.
Genomic context (GRCh38, chr1:102,974,861, plus strand): 5'-GAAAGAGAAAGAGAAGCTCTGACACTTACAGGAGGGCCTTTTGGTCCAGGGAATCCAACT[G>A]GACCCTGAGGTCCTTGAGGACCCTGGAAATAAAAAGCAGTGGGGAGAAGTTAACAATATG-3'
Protein context (NP_001845.3, residues 916-936): GERGPQGPQG[Pro926Leu]VGFPGPKGPP

ClinVar aggregate classification (germline): Uncertain significance (1 of 4 stars; one submission).

Allele frequency attached by ClinVar (database versions not stated): gnomAD exomes 0.00001.
gnomAD v4.1: 7 of 1,613,440 alleles (0.00043%); highest among the groups gnomAD compares: Non-Finnish European, 0.00059%; no homozygotes.

Submission:

Labcorp Genetics (formerly Invitae), Labcorp
Classification: Uncertain significance. Last evaluated: 2024-09-29. Review status: criteria provided, single submitter. Criteria: Invitae Variant Classification Sherloc (09022015). Collection method: clinical testing. Allele origin: germline.
Comment: This sequence change replaces proline, which is neutral and non-polar, with leucine, which is neutral and non-polar, at codon 926 of the COL11A1 protein (p.Pro926Leu). This variant is not present in population databases (gnomAD no frequency). This variant has not been reported in the literature in individuals affected with COL11A1-related conditions. Invitae Evidence Modeling of protein sequence and biophysical properties (such as structural, functional, and spatial information, amino acid conservation, physicochemical variation, residue mobility, and thermodynamic stability) indicates that this missense variant is not expected to disrupt COL11A1 protein function with a negative predictive value of 95%. In summary, the available evidence is currently insufficient to determine the role of this variant in disease. Therefore, it has been classified as a Variant of Uncertain Significance.